The following is an entry in ClinVar:

NM_001377.3(DYNC2H1):c.4567C>G (p.Arg1523Gly)

Gene: DYNC2H1 (dynein cytoplasmic 2 heavy chain 1; plus strand). Cytogenetic location: 11q22.3.
Variant type: single nucleotide variant.
Coding change: c.4567C>G on transcript NM_001377.3 (MANE Select); coding-DNA position 4567, C replaced by G.
Protein change: p.Arg1523Gly; replaces arginine 1523 with glycine.
Molecular consequence: missense variant.
Genome position (GRCh38, 1-based): chr11:103,163,103, C>G. VCF-style: chr11-103163103-C-G. GRCh37 (hg19) VCF-style: chr11-103033832-C-G.
Other names: c.4567C>G, p.Arg1523Gly (NM_001080463.2); short protein forms R1523G.
Identifiers: ClinVar variation 1902153 (VCV001902153.3), dbSNP rs778083367, ClinGen allele CA6253583.

ClinVar aggregate classification (germline): Uncertain significance. Review status: criteria provided, multiple submitters, no conflicts (2 of 4 stars). 2 submissions from 2 submitters: Uncertain significance (2). Last evaluated 2025-07-18.

Conditions:
Jeune thoracic dystrophy. Also called: Jeune syndrome; Short-rib thoracic dysplasia; Infantile thoracic dystrophy; Thoracic pelvic phalangeal dystrophy; Jeune's syndrome; Chondroectodermal dysplasia-like syndrome. Identifiers: Orphanet 474, MedGen C0265275, MONDO:0018770.
Asphyxiating thoracic dystrophy 3. Also called: SHORT-RIB THORACIC DYSPLASIA 3 WITH OR WITHOUT POLYDACTYLY; POLYDACTYLY WITH NEONATAL CHONDRODYSTROPHY, TYPE I; SHORT-RIB THORACIC DYSPLASIA 3/6 WITH POLYDACTYLY, DIGENIC; Short rib polydactyly syndrome 2B; Saldino-Noonan Syndrome. Identifiers: Orphanet 474, Orphanet 93269, Orphanet 93270, Orphanet 93271, MedGen C0036069, MONDO:0013127, OMIM 613091.

Allele frequency attached by ClinVar (database versions not stated): TOPMed below 0.00001.

Submissions (2):

Myriad Genetics, Inc.
Classification: Uncertain significance for Asphyxiating thoracic dystrophy 3. Last evaluated: 2025-07-18. Review status: criteria provided, single submitter. Criteria: Myriad Autosomal Dominant, Autosomal Recessive and X-Linked Classification Criteria (2023). Collection method: clinical testing. Allele origin: unknown.
Comment: NM_001377.2(DYNC2H1):c.4567C>G(R1523G) is a missense variant classified as a variant of uncertain significance in the context of DYNC2H1-related disorders. R1523G has not been observed in cases with relevant disease. Relevant functional assessments of this variant are not available in the literature. R1523G has been observed in referenced population frequency databases. In summary, there is insufficient evidence to classify NM_001377.2(DYNC2H1):c.4567C>G(R1523G) as pathogenic or benign. Please note: this variant was assessed in the context of healthy population screening.

Labcorp Genetics (formerly Invitae), Labcorp
Classification: Uncertain significance for Jeune thoracic dystrophy. Last evaluated: 2022-10-07. Review status: criteria provided, single submitter. Criteria: Invitae Variant Classification Sherloc (09022015). Collection method: clinical testing. Allele origin: germline.
Comment: This sequence change replaces arginine, which is basic and polar, with glycine, which is neutral and non-polar, at codon 1523 of the DYNC2H1 protein (p.Arg1523Gly). This variant is present in population databases (rs778083367, gnomAD 0.003%). This variant has not been reported in the literature in individuals affected with DYNC2H1-related conditions. Advanced modeling of protein sequence and biophysical properties (such as structural, functional, and spatial information, amino acid conservation, physicochemical variation, residue mobility, and thermodynamic stability) has been performed at Invitae for this missense variant, however the output from this modeling did not meet the statistical confidence thresholds required to predict the impact of this variant on DYNC2H1 protein function. In summary, the available evidence is currently insufficient to determine the role of this variant in disease. Therefore, it has been classified as a Variant of Uncertain Significance.